The following is an entry in ClinVar:

ClinVar aggregate classification (germline): Uncertain significance (1 of 4 stars; one submission).

Submission:

Labcorp Genetics (formerly Invitae), Labcorp
Classification: Uncertain significance. Last evaluated: 2025-05-27. Review status: criteria provided, single submitter. Criteria: Invitae Variant Classification Sherloc (09022015). Collection method: clinical testing. Allele origin: germline.
Comment: This sequence change replaces serine, which is neutral and polar, with arginine, which is basic and polar, at codon 345 of the ASAH1 protein (p.Ser345Arg). This variant is not present in population databases (gnomAD no frequency). This variant has not been reported in the literature in individuals affected with ASAH1-related conditions. ClinVar contains an entry for this variant (Variation ID: 1365887). Invitae Evidence Modeling of protein sequence and biophysical properties (such as structural, functional, and spatial information, amino acid conservation, physicochemical variation, residue mobility, and thermodynamic stability) indicates that this missense variant is not expected to disrupt ASAH1 protein function with a negative predictive value of 80%. In summary, the available evidence is currently insufficient to determine the role of this variant in disease. Therefore, it has been classified as a Variant of Uncertain Significance.

NM_177924.5(ASAH1):c.1035C>G (p.Ser345Arg)

Gene: ASAH1 (N-acylsphingosine amidohydrolase 1; minus strand). Cytogenetic location: 8p22.
Variant type: single nucleotide variant.
Coding change: c.1035C>G on transcript NM_177924.5 (MANE Select); coding-DNA position 1035, C replaced by G.
Protein change: p.Ser345Arg; replaces serine 345 with arginine.
Molecular consequence: missense variant.
Genome position (GRCh38, 1-based): chr8:18,059,347, G>C on the plus strand (C>G on the coding strand, the complement: ASAH1 is on the minus strand). VCF-style: chr8-18059347-G-C. GRCh37 (hg19) VCF-style: chr8-17916856-G-C.
Other names: c.1017C>G, p.Ser339Arg (NM_001127505.3); c.840C>G, p.Ser280Arg (NM_001363743.2); c.1083C>G, p.Ser361Arg (NM_004315.6); short protein forms S361R, S280R, S339R, S345R.
Identifiers: ClinVar variation 1365887 (VCV001365887.8), dbSNP rs764889509, ClinGen allele CA370427248.